The following is an entry in ClinVar:

ClinVar aggregate classification (germline): Benign/Likely benign. Review status: criteria provided, multiple submitters, no conflicts (2 of 4 stars). 5 submissions from 5 submitters: Benign (1); Likely benign (4). Last evaluated 2026-01-08.

Conditions:
Familial focal epilepsy with variable foci (FPEVF). Identifiers: Orphanet 98820, MedGen C1858477, MONDO:0020310.

Allele frequency attached by ClinVar (database versions not stated): gnomAD 0.00001 and 0.00004; TOPMed 0.00001; gnomAD exomes 0.00009 and 0.00016; 1000 Genomes Project 30x 0.00016; 1000 Genomes Project 0.00020; ExAC 0.00021.
gnomAD v4.1: 146 of 1,614,150 alleles (0.009%); highest among the groups gnomAD compares: South Asian, 0.15%; 3 homozygotes.

Submissions (5):

Labcorp Genetics (formerly Invitae), Labcorp
Classification: Benign for Familial focal epilepsy with variable foci. Last evaluated: 2026-01-08. Review status: criteria provided, single submitter. Criteria: Invitae Variant Classification Sherloc (09022015). Collection method: clinical testing. Allele origin: germline.

CeGaT Center for Human Genetics Tuebingen
Classification: Likely benign. Last evaluated: 2024-07-01. Review status: criteria provided, single submitter. Criteria: CeGaT Center For Human Genetics Tuebingen Variant Classification Criteria Version 2. Collection method: clinical testing. Allele origin: germline. Affected: yes. Observed: 1 variant allele.
Comment: DEPDC5: BP4, BP7

Blueprint Genetics
Classification: Likely benign. Last evaluated: 2023-12-15. Review status: criteria provided, single submitter. Criteria: ACMG Guidelines, 2015. Collection method: clinical testing. Allele origin: germline.

GeneDx
Classification: Likely benign. Last evaluated: 2021-06-08. Review status: criteria provided, single submitter. Criteria: GeneDx Variant Classification Process June 2021. Collection method: clinical testing. Allele origin: germline. Affected: yes.

Breakthrough Genomics
Classification: Likely benign. Review status: criteria provided, single submitter. Criteria: ACMG Guidelines, 2015. Collection method: not provided. Allele origin: germline. Inheritance: Autosomal dominant inheritance. Affected: yes.

NM_001242896.3(DEPDC5):c.4302C>G (p.Pro1434=)

Gene: DEPDC5 (DEP domain containing 5, GATOR1 subcomplex subunit; plus strand). Cytogenetic location: 22q12.3.
Variant type: single nucleotide variant.
Coding change: c.4302C>G on transcript NM_001242896.3 (MANE Select); coding-DNA position 4302, C replaced by G.
Protein change: p.Pro1434=; no amino-acid change (proline 1434 retained).
Molecular consequence: synonymous variant. On other transcripts: non-coding transcript variant (5).
Genome position (GRCh38, 1-based): chr22:31,897,580, C>G. VCF-style: chr22-31897580-C-G. GRCh37 (hg19) VCF-style: chr22-32293566-C-G.
Other names: c.4275C>G, p.Pro1425= (NM_001136029.4); c.4002C>G, p.Pro1334= (NM_001242897.2); c.4236C>G, p.Pro1412= (NM_001363852.2, NM_001364320.2); c.4068C>G, p.Pro1356= (NM_001363854.2, NM_001364319.2); c.4302C>G, p.Pro1434= (NM_001364318.2); c.4218C>G, p.Pro1406= (NM_001369901.1, NM_001369902.1); c.4209C>G, p.Pro1403= (NM_001369903.1, NM_014662.6).
Identifiers: ClinVar variation 466491 (VCV000466491.30), dbSNP rs531253840, ClinGen allele CA10197210.